The following is an entry in ClinVar:

ClinVar aggregate classification (germline): Uncertain significance (0 of 4 stars; one submission).

Conditions:
ASL-related disorder. Also called: ASL-related condition.

Submission:

PreventionGenetics, part of Exact Sciences
Classification: Uncertain significance for ASL-related condition. Last evaluated: 2023-11-22. Review status: no assertion criteria provided. Collection method: clinical testing. Allele origin: germline.
Comment: The ASL c.407T>C variant is predicted to result in the amino acid substitution p.Leu136Pro. To our knowledge, this variant has not been reported in the literature or in a large population database, indicating this variant is rare. At this time, the clinical significance of this variant is uncertain due to the absence of conclusive functional and genetic evidence.

NM_000048.4(ASL):c.407T>C (p.Leu136Pro)

Gene: ASL (argininosuccinate lyase; plus strand). Cytogenetic location: 7q11.21.
Variant type: single nucleotide variant.
Coding change: c.407T>C on transcript NM_000048.4 (MANE Select); coding-DNA position 407, T replaced by C.
Protein change: p.Leu136Pro; replaces leucine 136 with proline.
Molecular consequence: missense variant.
Genome position (GRCh38, 1-based): chr7:66,083,135, T>C. VCF-style: chr7-66083135-T-C. GRCh37 (hg19) VCF-style: chr7-65548122-T-C.
Other names: c.407T>C, p.Leu136Pro (NM_001024943.2, NM_001024944.2, NM_001024946.2); short protein forms L136P.
Identifiers: ClinVar variation 3032644 (VCV003032644.2), dbSNP rs2484998290, ClinGen allele CA367639385.